The following is an entry in ClinVar:

ClinVar aggregate classification (germline): Uncertain significance. Review status: criteria provided, multiple submitters, no conflicts (2 of 4 stars). 6 submissions from 6 submitters: Uncertain significance (6). Last evaluated 2025-09-10.

Conditions:
Cardiovascular phenotype. Identifiers: MedGen CN230736.
Hypertrophic cardiomyopathy 4. Also called: Familial hypertrophic cardiomyopathy 4. Identifiers: MedGen C1861862, MONDO:0007268, OMIM 115197.
Cardiomyopathy (CMYO). Also called: Cardiomyopathies. Identifiers: Orphanet 167848, MedGen C0878544, MONDO:0004994, HP:0001638. Inheritance: Various modes of inheritance.
Hypertrophic cardiomyopathy. Also called: HYPERTROPHIC MYOCARDIOPATHY. Identifiers: Orphanet 217569, MedGen C0007194, MeSH D002312, MONDO:0005045, HP:0001639.

Submissions (6):

Ambry Genetics
Classification: Uncertain significance for Cardiovascular phenotype. Last evaluated: 2025-09-10. Review status: criteria provided, single submitter. Criteria: Ambry Variant Classification Scheme 2023. Collection method: clinical testing. Allele origin: germline.
Comment: The c.1082_1084delAGA variant (also known as p.K361del) is located in coding exon 12 of the MYBPC3 gene. This variant results from an in-frame AGA deletion at nucleotide positions 1082 to 1084. This results in the in-frame deletion of a lysine at codon 361. This amino acid position is highly conserved in available vertebrate species. In addition, this alteration is predicted to be deleterious by in silico analysis (Choi Y et al. PLoS ONE. 2012; 7(10):e46688). Based on the available evidence, the clinical significance of this variant remains unclear.

Blueprint Genetics
Classification: Uncertain significance. Last evaluated: 2024-10-18. Review status: criteria provided, single submitter. Criteria: ACMG Guidelines, 2015. Collection method: clinical testing. Allele origin: germline.

Victorian Clinical Genetics Services, Murdoch Childrens Research Institute
Classification: Uncertain significance for Hypertrophic cardiomyopathy 4. Last evaluated: 2024-10-10. Review status: criteria provided, single submitter. Criteria: ACMG Guidelines, 2015. Collection method: clinical testing. Allele origin: germline. Affected: yes.
Comment: Based on the classification scheme VCGS_Germline_v1.3.5, this variant is classified as VUS-3B. Following criteria are met: 0102 - Loss of function is a known mechanism of disease in this gene and is associated with hypertrophic cardiomyopathy 4 (HCM; MIM#115197). (I) 0108 - This gene is associated with both recessive and dominant disease. Dominant inheritance is frequently reported in adult onset conditions and recessive inheritance results in a more severe early onset phenotype (OMIM). (I) 0115 - Variants in this gene are known to have variable expressivity (PMID: 32841044). (I) 0213 - In-frame insertion/deletion in a non-repetitive region that has high conservation. (SP) 0251 - This variant is heterozygous. (I) 0304 - Variant is present in gnomAD (v4) <0.01 (28 heterozygotes, 0 homozygotes). (SP) 0604 - Variant is not located in an established domain, motif, hotspot or informative constraint region. (I) 0705 - No comparable in-frame variants have previous evidence for pathogenicity. (I) 0809 - Previous evidence of pathogenicity for this variant is inconclusive. This variant has been classified as a VUS by multiple laboratories in ClinVar. (I) 0905 - No published segregation evidence has been identified for this variant. (I) 1007 - No published functional evidence has been identified for this variant. (I) 1208 - Inheritance information for this variant is not currently available in this individual. (I) Legend: (SP) - Supporting pathogenic, (I) - Information, (SB) - Supporting benign

Labcorp Genetics (formerly Invitae), Labcorp
Classification: Uncertain significance for Hypertrophic cardiomyopathy. Last evaluated: 2024-06-15. Review status: criteria provided, single submitter. Criteria: Invitae Variant Classification Sherloc (09022015). Collection method: clinical testing. Allele origin: germline.
Comment: This variant, c.1082_1084del, results in the deletion of 1 amino acid(s) of the MYBPC3 protein (p.Lys361del), but otherwise preserves the integrity of the reading frame. This variant is present in population databases (rs775069579, gnomAD 0.004%). This variant has not been reported in the literature in individuals affected with MYBPC3-related conditions. ClinVar contains an entry for this variant (Variation ID: 921429). Experimental studies and prediction algorithms are not available or were not evaluated, and the functional significance of this variant is currently unknown. In summary, the available evidence is currently insufficient to determine the role of this variant in disease. Therefore, it has been classified as a Variant of Uncertain Significance.

Color Diagnostics, LLC DBA Color Health
Classification: Uncertain significance for Cardiomyopathy. Last evaluated: 2024-03-29. Review status: criteria provided, single submitter. Criteria: ACMG Guidelines, 2015. Collection method: clinical testing. Allele origin: germline.
Comment: This variant causes an in-frame deletion of one amino acid at exon 12 of the MYBPC3 protein. To our knowledge, functional studies have not been reported for this variant. This variant has not been reported in individuals affected with MYBPC3-related disorders in the literature. This variant has been identified in 4/248872 chromosomes in the general population by the Genome Aggregation Database (gnomAD). The available evidence is insufficient to determine the role of this variant in disease conclusively. Therefore, this variant is classified as a Variant of Uncertain Significance.

GeneDx
Classification: Uncertain significance. Last evaluated: 2019-04-25. Review status: criteria provided, single submitter. Criteria: GeneDx Variant Classification Process June 2021. Collection method: clinical testing. Allele origin: germline. Affected: yes.
Comment: Not observed at a significant frequency in large population cohorts (Lek et al., 2016); In-frame deletion of one amino acid in a non-repeat region; In silico analysis, which includes protein predictors and evolutionary conservation, supports a deleterious effect; Has not been previously published as pathogenic or benign to our knowledge

Literature cited by the submitters: PubMed 32841044 (cited by Victorian Clinical Genetics Services, Murdoch Childrens Research Institute).

NM_000256.3(MYBPC3):c.1076AGA[2] (p.Lys361del)

Gene: MYBPC3 (myosin binding protein C3; minus strand). Cytogenetic location: 11p11.2.
Variant type: Microsatellite.
Coding change: c.1076AGA[2] on transcript NM_000256.3 (MANE Select); two copies in a row of the 3-base unit AGA starting at c.1076; the reference has three copies in a row; one copy, 3 bases deleted; also written c.1082_1084del.
Protein change: p.Lys361del; deletes lysine 361.
Molecular consequence: inframe deletion.
Genome position (GRCh38, 1-based): chr11:47,346,213-47,346,215, TCT deleted on the plus strand (AGA on the coding strand, the reverse complement: MYBPC3 is on the minus strand); deleting any 3 consecutive bases within chr11:47,346,213-47,346,221 gives the same sequence; the position shown is the placement nearest the transcript's 3' end. VCF-style (leftmost placement, unchanged base first): chr11-47346212-CTCT-C. GRCh37 (hg19) VCF-style: chr11-47367763-CTCT-C.
Other names: c.1082_1084del (NM_000256.3); c.1082_1084delAGA (NM_000256.3); short protein forms K361del.
Identifiers: ClinVar variation 921429 (VCV000921429.16), dbSNP rs775069579, ClinGen allele CA042311.
Genomic context (GRCh38, chr11:47,346,212, plus strand): 5'-GTGTAGGGAAGGGCTAGCCTGTGCCCTCTCCTCTCCCCTCTGAGGAAGGGCTAACCTGTG[CTCT>C]TCTTCTCATCGCGCCTCATGCCCTTGAGCCTCTTTAGCATGCCGCGCAGGTCAGTGACGC-3'